The following is an entry in ClinVar:

NM_138387.4(G6PC3):c.330C>G (p.Ser110Arg)

Gene: G6PC3 (glucose-6-phosphatase catalytic subunit 3; plus strand). Cytogenetic location: 17q21.31.
Variant type: single nucleotide variant.
Coding change: c.330C>G on transcript NM_138387.4 (MANE Select); coding-DNA position 330, C replaced by G.
Protein change: p.Ser110Arg; replaces serine 110 with arginine.
Molecular consequence: missense variant. On other transcripts: 5 prime UTR variant (4).
Genome position (GRCh38, 1-based): chr17:44,074,684, C>G. VCF-style: chr17-44074684-C-G. GRCh37 (hg19) VCF-style: chr17-42152052-C-G.
Other names: c.330C>G, p.Ser110Arg (NM_001319945.2); c.-16C>G (NM_001384165.1, NM_001384166.1, NM_001384167.1 and 1 more transcripts); short protein forms S110R.
Identifiers: ClinVar variation 4871599 (VCV004871599.1).
Genomic context (GRCh38, chr17:44,074,684, plus strand): 5'-GGGCCCCGGGGTTCTGCCTCCATCTTCTCACCACGAGCTTCTGGATTTGCTGGCAGGCAG[C>G]CCTTCTGGACACTGCATGATCACAGGAGCAGCCCTCTGGCCCATAATGACGGCCCTGTCT-3'
Protein context (NP_612396.1, residues 100-120): FPSSCETGPG[Ser110Arg]PSGHCMITGA

ClinVar aggregate classification (germline): Uncertain significance (1 of 4 stars; one submission).

Conditions:
Inborn genetic diseases. Identifiers: MedGen C0950123, MeSH D030342.

Submission:

Ambry Genetics
Classification: Uncertain significance for Inborn genetic diseases. Last evaluated: 2026-05-14. Review status: criteria provided, single submitter. Criteria: Ambry Variant Classification Scheme 2023. Collection method: clinical testing. Allele origin: germline.
Comment: The p.S110R variant (also known as c.330C>G), located in coding exon 3 of the G6PC3 gene, results from a C to G substitution at nucleotide position 330. The serine at codon 110 is replaced by arginine, an amino acid with dissimilar properties. This amino acid position is conserved. In addition, this alteration is predicted to be deleterious by in silico analysis. Based on the available evidence, the clinical significance of this variant remains unclear.